The following is an entry in ClinVar:

ClinVar aggregate classification (germline): Uncertain significance (1 of 4 stars; one submission).

Conditions:
Ataxia-telangiectasia syndrome (AT). Also called: Ataxia-telangiectasia; LOUIS-BAR SYNDROME; Ataxia-telangiectasia, complementation group D; AT, COMPLEMENTATION GROUP C; ATAXIA-TELANGIECTASIA, COMPLEMENTATION GROUP A; ATAXIA-TELANGIECTASIA, FRESNO VARIANT. Identifiers: Orphanet 100, MedGen C0004135, MONDO:0008840, OMIM 208900.

Submission:

Labcorp Genetics (formerly Invitae), Labcorp
Classification: Uncertain significance for Ataxia-telangiectasia syndrome. Last evaluated: 2021-10-13. Review status: criteria provided, single submitter. Criteria: Invitae Variant Classification Sherloc (09022015). Collection method: clinical testing. Allele origin: germline.
Comment: This sequence change replaces glutamine with proline at codon 2874 of the ATM protein (p.Gln2874Pro). The glutamine residue is highly conserved and there is a moderate physicochemical difference between glutamine and proline. This variant is not present in population databases (ExAC no frequency). This variant has not been reported in the literature in individuals affected with ATM-related conditions. Advanced modeling of protein sequence and biophysical properties (such as structural, functional, and spatial information, amino acid conservation, physicochemical variation, residue mobility, and thermodynamic stability) performed at Invitae indicates that this missense variant is expected to disrupt ATM protein function. In summary, the available evidence is currently insufficient to determine the role of this variant in disease. Therefore, it has been classified as a Variant of Uncertain Significance.

NM_000051.4(ATM):c.8621A>C (p.Gln2874Pro)

Genes: ATM (ATM serine/threonine kinase; plus strand), C11orf65 (chromosome 11 open reading frame 65; minus strand). Cytogenetic location: 11q22.3.
Variant type: single nucleotide variant.
Coding change: c.8621A>C on transcript NM_000051.4 (MANE Select); coding-DNA position 8621, A replaced by C.
Protein change: p.Gln2874Pro; replaces glutamine 2874 with proline.
Molecular consequence: missense variant. On other transcripts: intron variant (2).
Genome position (GRCh38, 1-based): chr11:108,347,315, A>C. VCF-style: chr11-108347315-A-C. GRCh37 (hg19) VCF-style: chr11-108218042-A-C.
Other names: c.8621A>C, p.Gln2874Pro (NM_001351834.2); c.641-38244T>G (NM_001330368.2); c.695-12023T>G (NM_001351110.2); short protein forms Q2874P.
Identifiers: ClinVar variation 1432341 (VCV001432341.6), dbSNP rs1565567144, ClinGen allele CA382520739.
Genomic context (GRCh38, chr11:108,347,315, plus strand): 5'-ATTGTTTGTTTCTTTTTTCTCCAGTTGGTTACATACTTGGACTTGGTGATAGACATGTAC[A>C]GAATATCTTGATAAATGAGCAGTCAGCAGAACTTGTACATATAGATCTAGGTAAGTAATA-3'
Protein context (NP_000042.3, residues 2864-2884): YILGLGDRHV[Gln2874Pro]NILINEQSAE